The following is an entry in ClinVar:

ClinVar aggregate classification (germline): Uncertain significance. Review status: criteria provided, multiple submitters, no conflicts (2 of 4 stars). 2 submissions from 2 submitters: Uncertain significance (2). Last evaluated 2026-01-05.

Conditions:
Epidermolysis bullosa, junctional 6, with pyloric atresia. Also called: ITGA6-Related Epidermolysis Bullosa with Pyloric Atresia. Identifiers: MedGen C5676957, MONDO:0859233, OMIM 619817.

gnomAD v4.1: 486 of 1,612,516 alleles (0.03%); highest among the groups gnomAD compares: Non-Finnish European, 0.04%; no homozygotes.

Submissions (2):

Labcorp Genetics (formerly Invitae), Labcorp
Classification: Uncertain significance. Last evaluated: 2026-01-05. Review status: criteria provided, single submitter. Criteria: Invitae Variant Classification Sherloc (09022015). Collection method: clinical testing. Allele origin: germline.
Comment: This sequence change falls in intron 6 of the ITGA6 gene. It does not directly change the encoded amino acid sequence of the ITGA6 protein. It affects a nucleotide within the consensus splice site. This variant is present in population databases (rs369277303, gnomAD 0.03%). This variant has not been reported in the literature in individuals affected with ITGA6-related conditions. ClinVar contains an entry for this variant (Variation ID: 3584990). Variants that disrupt the consensus splice site are a relatively common cause of aberrant splicing (PMID: 17576681, 9536098). Algorithms developed to predict the effect of sequence changes on RNA splicing suggest that this variant is not likely to affect RNA splicing. In summary, the available evidence is currently insufficient to determine the role of this variant in disease. Therefore, it has been classified as a Variant of Uncertain Significance.

Fulgent Genetics
Classification: Uncertain significance for Epidermolysis bullosa, junctional 6, with pyloric atresia. Last evaluated: 2024-05-16. Review status: criteria provided, single submitter. Criteria: ACMG Guidelines, 2015. Collection method: clinical testing. Allele origin: germline.

Literature cited by the submitters: PubMed 17576681 (cited by Labcorp Genetics (formerly Invitae), Labcorp); PubMed 9536098 (cited by Labcorp Genetics (formerly Invitae), Labcorp).

NM_000210.4(ITGA6):c.986+3G>A

Genes: ITGA6 (integrin subunit alpha 6; plus strand), PDK1-AS1 (PDK1 and ITGA6 antisense RNA 1; minus strand). Cytogenetic location: 2q31.1.
Variant type: single nucleotide variant.
Coding change: c.986+3G>A on transcript NM_000210.4 (MANE Select); 3 bases into the intron after coding-DNA position 986, G replaced by A.
Molecular consequence: intron variant.
Genome position (GRCh38, 1-based): chr2:172,474,268, G>A. VCF-style: chr2-172474268-G-A. GRCh37 (hg19) VCF-style: chr2-173338996-G-A.
Other names: c.629+3G>A (NM_001316306.2); c.1103+3G>A (NM_001394928.1); c.986+3G>A (NM_001079818.3, NM_001365530.2, NM_001365529.2).
Identifiers: ClinVar variation 3584990 (VCV003584990.2).